The following is an entry in ClinVar:

NM_015059.3(TLN2):c.7333G>T (p.Val2445Leu)

Genes: TLN2 (talin 2; plus strand), TLN2-AS3 (TLN2 antisense RNA 3; minus strand). Cytogenetic location: 15q22.2.
Variant type: single nucleotide variant.
Coding change: c.7333G>T on transcript NM_015059.3 (MANE Select); coding-DNA position 7333, G replaced by T.
Protein change: p.Val2445Leu; replaces valine 2445 with leucine.
Molecular consequence: missense variant.
Genome position (GRCh38, 1-based): chr15:62,836,032, G>T. VCF-style: chr15-62836032-G-T. GRCh37 (hg19) VCF-style: chr15-63128231-G-T.
Other names: c.7333G>T, p.Val2445Leu (NM_001394547.1); short protein forms V2445L.
Identifiers: ClinVar variation 2645423 (VCV002645423.24), dbSNP rs78592652, ClinGen allele CA7601029.

ClinVar aggregate classification (germline): Likely benign (1 of 4 stars; one submission).

Allele frequency attached by ClinVar (database versions not stated): TOPMed 0.00171; ESP Exome Variant Server 0.00177; gnomAD 0.00177; ExAC 0.00257; 1000 Genomes Project 30x 0.00297; 1000 Genomes Project 0.00339.
gnomAD v4.1: 4,240 of 1,612,630 alleles (0.26%); highest among the groups gnomAD compares: South Asian, 0.4%; 12 homozygotes.

Submission:

CeGaT Center for Human Genetics Tuebingen
Classification: Likely benign. Last evaluated: 2023-01-01. Review status: criteria provided, single submitter. Criteria: CeGaT Center For Human Genetics Tuebingen Variant Classification Criteria Version 2. Collection method: clinical testing. Allele origin: germline. Affected: yes. Observed: 1 variant allele.
Comment: TLN2: BS2